The following is an entry in ClinVar:

ClinVar aggregate classification (germline): Likely pathogenic. Review status: reviewed by expert panel (3 of 4 stars). 2 submissions from 2 submitters: Likely pathogenic (1). 1 of the submissions does not count toward it. Last evaluated 2020-09-12.

Conditions:
Phenylketonuria (PKU). Also called: Phenylketonuria (PKU); FOLLING DISEASE; OLIGOPHRENIA PHENYLPYRUVICA; Phenylketonurias. Identifiers: Orphanet 716, MedGen C0031485, MONDO:0009861, OMIM 261600. Disease mechanism: loss of function.

Submissions (2):

ClinGen PAH Variant Curation Expert Panel
Classification: Likely pathogenic for Phenylketonuria. Last evaluated: 2020-09-12. Review status: reviewed by expert panel. Criteria: ClinGen PAH ACMG Specifications v1. Collection method: curation. Allele origin: germline. Inheritance: Autosomal recessive inheritance.
Comment: The intronic variant c.1199+5G>T has been reported in two compound heterozygous probands (Akal, 2019) with Asp338Tyr (ClinVar 102468, Pathogenic) and Ala403Val (ClinVar 92731, Pathogenic). This variant is absent from population databases including ExAC, gnomAD, 1000G, and ESP and computational predictors agree that there is alteration of the WT Donor site, most probably affecting splicing. In summary, this variant meets criteria to be classified as Likely Pathogenic for PAH. PAH-specific ACMG/AMP criteria applied: PM2, PM3, PP3, PP4.

DeBelle Laboratory for Biochemical Genetics, MUHC/MCH RESEARCH INSTITUTE
No classification provided. Review status: no classification provided. Collection method: not provided. Allele origin: not provided. Not counted in ClinVar's aggregate classification.

Literature cited by the submitters: PubMed 10408782 (cited by ClinGen PAH Variant Curation Expert Panel).

NM_000277.3(PAH):c.1199+5G>T

Gene: PAH (phenylalanine hydroxylase; minus strand). Cytogenetic location: 12q23.2.
Variant type: single nucleotide variant.
Coding change: c.1199+5G>T on transcript NM_000277.3 (MANE Select); 5 bases into the intron after coding-DNA position 1199, G replaced by T.
Molecular consequence: intron variant.
Genome position (GRCh38, 1-based): chr12:102,843,641, C>A on the plus strand (G>T on the coding strand, the complement: PAH is on the minus strand). VCF-style: chr12-102843641-C-A. GRCh37 (hg19) VCF-style: chr12-103237419-C-A.
Other names: c.1199+5G>T (NM_001354304.2).
Identifiers: ClinVar variation 102560 (VCV000102560.2), dbSNP rs62508674, ClinGen allele CA229388.
Genomic context (GRCh38, chr12:102,843,641, plus strand): 5'-CACAGATGAGTGGCACCAGTCAGGAGGCCCCCAGAGCTAGTGGCTCACCTTTGTCACCAC[C>A]TCACCTTACTTTCTCCTTGGCATCATTAAAACTCTCTGCCACGTAATAGAGGGGCTGGAA-3'